The following is an entry in ClinVar:

NM_004793.4(LONP1):c.1817C>T (p.Ala606Val)

Gene: LONP1 (lon peptidase 1, mitochondrial; minus strand). Cytogenetic location: 19p13.3.
Variant type: single nucleotide variant.
Coding change: c.1817C>T on transcript NM_004793.4 (MANE Select); coding-DNA position 1817, C replaced by T.
Protein change: p.Ala606Val; replaces alanine 606 with valine.
Molecular consequence: missense variant. On other transcripts: non-coding transcript variant (1).
Genome position (GRCh38, 1-based): chr19:5,696,328, G>A on the plus strand (C>T on the coding strand, the complement: LONP1 is on the minus strand). VCF-style: chr19-5696328-G-A. GRCh37 (hg19) VCF-style: chr19-5696339-G-A.
Other names: c.1625C>T, p.Ala542Val (NM_001276479.2); c.1229C>T, p.Ala410Val (NM_001276480.1); c.1817C>T (NM_004793.2, NM_004793.3); short protein forms A542V, A410V, A606V.
Identifiers: ClinVar variation 1430361 (VCV001430361.37), dbSNP rs145519500, ClinGen allele CA9114458.

ClinVar aggregate classification (germline): Conflicting classifications of pathogenicity. Review status: criteria provided, conflicting classifications (1 of 4 stars). 8 submissions from 8 submitters: Uncertain significance (4); Benign (1); Likely benign (2). 1 of the submissions does not count toward it. Last evaluated 2026-09-01.

Conditions:
LONP1-related disorder. Also called: LONP1-related disorders; LONP1-related condition.
CODAS syndrome. Also called: CEREBRAL, OCULAR, DENTAL, AURICULAR, AND SKELETAL ANOMALIES SYNDROME. Identifiers: Orphanet 1458, MedGen C1838180, MONDO:0010879, OMIM 600373.
Inborn genetic diseases. Identifiers: MedGen C0950123, MeSH D030342.

Allele frequency attached by ClinVar (database versions not stated): 1000 Genomes Project 0.00020; 1000 Genomes Project 30x 0.00031; ExAC 0.00076; gnomAD exomes 0.00083 and 0.00129; ESP Exome Variant Server 0.00085; TOPMed 0.00091; gnomAD 0.00097 and 0.00100.
gnomAD v4.1: 2,039 of 1,613,356 alleles (0.13%); highest among the groups gnomAD compares: Non-Finnish European, 0.16%; 2 homozygotes.

Submissions (8):

CeGaT Center for Human Genetics Tuebingen
Classification: Likely benign. Last evaluated: 2026-09-01. Review status: criteria provided, single submitter. Criteria: CeGaT Center For Human Genetics Tuebingen Variant Classification Criteria Version 2. Collection method: clinical testing. Allele origin: germline. Affected: yes. Observed: 3 variant alleles.
Comment: LONP1: PP3, BS1

GeneDx
Classification: Uncertain significance. Last evaluated: 2026-03-04. Review status: criteria provided, single submitter. Criteria: GeneDx Variant Classification Process June 2021. Collection method: clinical testing. Allele origin: germline.
Comment: In silico analysis supports that this missense variant has a deleterious effect on protein structure/function; Has not been previously published as pathogenic or benign to our knowledge

Labcorp Genetics (formerly Invitae), Labcorp
Classification: Benign. Last evaluated: 2026-01-24. Review status: criteria provided, single submitter. Criteria: Invitae Variant Classification Sherloc (09022015). Collection method: clinical testing. Allele origin: germline.

Blueprint Genetics
Classification: Uncertain significance. Last evaluated: 2024-11-26. Review status: criteria provided, single submitter. Criteria: ACMG Guidelines, 2015. Collection method: clinical testing. Allele origin: germline.

Ambry Genetics
Classification: Likely benign for Inborn genetic diseases. Last evaluated: 2022-01-19. Review status: criteria provided, single submitter. Criteria: Ambry Variant Classification Scheme 2023. Collection method: clinical testing. Allele origin: germline.

Revvity Omics, Revvity
Classification: Uncertain significance for CODAS syndrome. Last evaluated: 2019-03-28. Review status: criteria provided, single submitter. Criteria: ACMG Guidelines, 2015. Collection method: clinical testing. Allele origin: germline.

Breakthrough Genomics
Classification: Uncertain significance. Review status: criteria provided, single submitter. Criteria: ACMG Guidelines, 2015. Collection method: not provided. Allele origin: germline. Inheritance: Autosomal recessive inheritance. Affected: yes.

PreventionGenetics, part of Exact Sciences
Classification: Likely benign for LONP1-related condition. Last evaluated: 2022-06-21. Review status: no assertion criteria provided. Collection method: clinical testing. Allele origin: germline. Not counted in ClinVar's aggregate classification.
Comment: This variant is classified as likely benign based on ACMG/AMP sequence variant interpretation guidelines (Richards et al. 2015 PMID: 25741868, with internal and published modifications).